The following is an entry in ClinVar:

ClinVar aggregate classification (germline): Likely pathogenic (1 of 4 stars; one submission).

Conditions:
Dilated cardiomyopathy 1G (CMD1G). Identifiers: Orphanet 154, MedGen C1858763, MONDO:0011400, OMIM 604145.
Autosomal recessive limb-girdle muscular dystrophy type 2J (LGMDR10). Also called: Limb-girdle muscular dystrophy, type 2J; MUSCULAR DYSTROPHY, LIMB-GIRDLE, AUTOSOMAL RECESSIVE 10. Identifiers: Orphanet 140922, MedGen C1837342, MONDO:0012127, OMIM 608807.

Allele frequency attached by ClinVar (database versions not stated): gnomAD exomes below 0.00001.
gnomAD v4.1: 1 of 1,613,540 alleles (0.000062%); highest among the groups gnomAD compares: Non-Finnish European, 0.000085%; no homozygotes.

Submission:

Labcorp Genetics (formerly Invitae), Labcorp
Classification: Likely pathogenic for Dilated cardiomyopathy 1G; Autosomal recessive limb-girdle muscular dystrophy type 2J. Last evaluated: 2022-02-22. Review status: criteria provided, single submitter. Criteria: Invitae Variant Classification Sherloc (09022015). Collection method: clinical testing. Allele origin: germline.
Comment: This sequence change creates a premature translational stop signal (p.Arg6240*) in the TTN gene. While this is not anticipated to result in nonsense mediated decay, it is expected to create a truncated TTN protein. This variant is not present in population databases (gnomAD no frequency). This premature translational stop signal has been observed in individual(s) with autosomal recessive titinopathy (PMID: 29691892, 32778822). In at least one individual the data is consistent with being in trans (on the opposite chromosome) from a pathogenic variant. It has also been observed to segregate with disease in related individuals. In summary, the currently available evidence indicates that the variant is pathogenic, but additional data are needed to prove that conclusively. Therefore, this variant has been classified as Likely Pathogenic. This variant is located in the I band of TTN (PMID: 25589632). Truncating variants in this region have been shown to be highly prevalent in the general population and unaffected individuals (PMID: 26701604, 22335739). However, truncating variants in this region have also been reported in individuals affected with autosomal recessive centronuclear myopathy (PMID: 23975875).

Literature cited by the submitters: PubMed 29691892; PubMed 32778822; PubMed 25589632; PubMed 26701604; PubMed 22335739; PubMed 23975875.

NM_001267550.2(TTN):c.18718C>T (p.Arg6240Ter)

Genes: TTN (titin; minus strand), LOC126806430 (BRD4-independent group 4 enhancer GRCh37_chr2:179593794-179594993; plus strand). Cytogenetic location: 2q31.2.
Variant type: single nucleotide variant.
Coding change: c.18718C>T on transcript NM_001267550.2 (MANE Select); coding-DNA position 18718, C replaced by T.
Protein change: p.Arg6240Ter; replaces arginine 6240 with a stop codon.
Molecular consequence: nonsense. On other transcripts: intron variant (3).
Genome position (GRCh38, 1-based): chr2:178,729,438, G>A on the plus strand (C>T on the coding strand, the complement: TTN is on the minus strand). VCF-style: chr2-178729438-G-A. GRCh37 (hg19) VCF-style: chr2-179594165-G-A.
Other names: c.17767C>T, p.Arg5923Ter (NM_001256850.1); c.14986C>T, p.Arg4996Ter (NM_133378.4); c.13282+8644C>T (NM_003319.4); c.13858+8644C>T (NM_133437.4); c.13657+8644C>T (NM_133432.3); short protein forms R4996*, R6240*, R5923*.
Identifiers: ClinVar variation 2193650 (VCV002193650.4), dbSNP rs867025413, ClinGen allele CA60977785.